The following is an entry in ClinVar:

NM_173354.5(SIK1):c.1471G>T (p.Val491Phe)

Gene: SIK1 (salt inducible kinase 1; minus strand). Cytogenetic location: 21q22.3.
Variant type: single nucleotide variant.
Coding change: c.1471G>T on transcript NM_173354.5 (MANE Select); coding-DNA position 1471, G replaced by T.
Protein change: p.Val491Phe; replaces valine 491 with phenylalanine.
Molecular consequence: missense variant.
Genome position (GRCh38, 1-based): chr21:43,418,533, C>A on the plus strand (G>T on the coding strand, the complement: SIK1 is on the minus strand). VCF-style: chr21-43418533-C-A. GRCh37 (hg19) VCF-style: chr21-44838413-C-A.
Other names: short protein forms V491F.
Identifiers: ClinVar variation 4808252 (VCV004808252.1).

ClinVar aggregate classification (germline): Uncertain significance (1 of 4 stars; one submission).

Conditions:
Developmental and epileptic encephalopathy, 30 (DEE30). Also called: Epileptic encephalopathy, early infantile, 30. Identifiers: MedGen C4225360, MONDO:0014595, OMIM 616341.

Submission:

Labcorp Genetics (formerly Invitae), Labcorp
Classification: Uncertain significance for Developmental and epileptic encephalopathy, 30. Last evaluated: 2025-05-26. Review status: criteria provided, single submitter. Criteria: Invitae Variant Classification Sherloc (09022015). Collection method: clinical testing. Allele origin: germline.
Comment: This sequence change replaces valine, which is neutral and non-polar, with phenylalanine, which is neutral and non-polar, at codon 491 of the SIK1 protein (p.Val491Phe). This variant is not present in population databases (gnomAD no frequency). This variant has not been reported in the literature in individuals affected with SIK1-related conditions. Invitae Evidence Modeling of protein sequence and biophysical properties (such as structural, functional, and spatial information, amino acid conservation, physicochemical variation, residue mobility, and thermodynamic stability) indicates that this missense variant is not expected to disrupt SIK1 protein function with a negative predictive value of 95%. In summary, the available evidence is currently insufficient to determine the role of this variant in disease. Therefore, it has been classified as a Variant of Uncertain Significance.